The following is an entry in ClinVar:

NM_007194.4(CHEK2):c.1087C>T (p.Leu363Phe)

Gene: CHEK2 (checkpoint kinase 2; minus strand). Cytogenetic location: 22q12.1.
Variant type: single nucleotide variant.
Coding change: c.1087C>T on transcript NM_007194.4 (MANE Select); coding-DNA position 1087, C replaced by T.
Protein change: p.Leu363Phe; replaces leucine 363 with phenylalanine.
Molecular consequence: missense variant. On other transcripts: intron variant (3).
Genome position (GRCh38, 1-based): chr22:28,696,909, G>A on the plus strand (C>T on the coding strand, the complement: CHEK2 is on the minus strand). VCF-style: chr22-28696909-G-A. GRCh37 (hg19) VCF-style: chr22-29092897-G-A.
Other names: c.1216C>T, p.Leu406Phe (NM_001005735.3); c.424C>T, p.Leu142Phe (NM_001257387.3, NM_001437942.1); c.886C>T, p.Leu296Phe (NM_001349956.3); c.1180C>T, p.Leu394Phe (NM_001438293.1); c.1009-1036C>T (NM_145862.3); c.1102-1036C>T (NM_001438295.1); c.1138-1036C>T (NM_001438294.1); short protein forms L363F, L296F, L142F, L406F, L394F.
Identifiers: ClinVar variation 566778 (VCV000566778.9), dbSNP rs1569115748, ClinGen allele CA411097483.

ClinVar aggregate classification (germline): Uncertain significance (1 of 4 stars; one submission).

Conditions:
Familial cancer of breast. Also called: BREAST CANCER, FAMILIAL; Hereditary breast cancer; hereditary breast carcinoma. Identifiers: Orphanet 227535, MedGen C0346153, MONDO:0016419, OMIM 114480. Disease mechanism: loss of function.

Submission:

Labcorp Genetics (formerly Invitae), Labcorp
Classification: Uncertain significance for Familial cancer of breast. Last evaluated: 2023-08-17. Review status: criteria provided, single submitter. Criteria: Invitae Variant Classification Sherloc (09022015). Collection method: clinical testing. Allele origin: germline.
Comment: This variant has not been reported in the literature in individuals affected with CHEK2-related conditions. In summary, the available evidence is currently insufficient to determine the role of this variant in disease. Therefore, it has been classified as a Variant of Uncertain Significance. An algorithm developed to predict the effect of missense changes on protein structure and function (PolyPhen-2) suggests that this variant is likely to be disruptive. ClinVar contains an entry for this variant (Variation ID: 566778). This variant is not present in population databases (gnomAD no frequency). This sequence change replaces leucine, which is neutral and non-polar, with phenylalanine, which is neutral and non-polar, at codon 363 of the CHEK2 protein (p.Leu363Phe).